The following is an entry in ClinVar:

NM_001386795.1(DTNA):c.363-3C>T

Gene: DTNA (dystrobrevin alpha; plus strand). Cytogenetic location: 18q12.1.
Variant type: single nucleotide variant.
Coding change: c.363-3C>T on transcript NM_001386795.1 (MANE Select); 3 bases into the intron before coding-DNA position 363, C replaced by T.
Molecular consequence: intron variant.
Genome position (GRCh38, 1-based): chr18:34,806,216, C>T. VCF-style: chr18-34806216-C-T. GRCh37 (hg19) VCF-style: chr18-32386180-C-T.
Other names: c.363-3C>T (NM_032975.4, NM_001386761.1, NM_001386762.1 and 35 more transcripts).
Identifiers: ClinVar variation 4771855 (VCV004771855.1).
Genomic context (GRCh38, chr18:34,806,216, plus strand): 5'-CCAAATGACATCATGGTTTTGTTTTGTTTTTGTTTTTGTTTTTTTTCTATTACCATTAAA[C>T]AGGGAAGGCCATGGTAAAATTTCAGTATTTGCTGTCAAAATGGCTTTAGCCACATTGTGT-3'

ClinVar aggregate classification (germline): Uncertain significance (1 of 4 stars; one submission).

Conditions:
Left ventricular noncompaction 1 (LVNC1). Also called: LEFT VENTRICULAR NONCOMPACTION 1 WITH OR WITHOUT CONGENITAL HEART DEFECTS. Identifiers: Orphanet 54260, MedGen C1858725, MONDO:0011403, OMIM 604169.

Submission:

Labcorp Genetics (formerly Invitae), Labcorp
Classification: Uncertain significance for Left ventricular noncompaction 1. Last evaluated: 2025-09-20. Review status: criteria provided, single submitter. Criteria: Invitae Variant Classification Sherloc (09022015). Collection method: clinical testing. Allele origin: germline.
Comment: This sequence change falls in intron 3 of the DTNA gene. It does not directly change the encoded amino acid sequence of the DTNA protein. It affects a nucleotide within the consensus splice site. This variant is present in population databases (no rsID available, gnomAD 0.002%). This variant has not been reported in the literature in individuals affected with DTNA-related conditions. Variants that disrupt the consensus splice site are a relatively common cause of aberrant splicing (PMID: 17576681, 9536098). Algorithms developed to predict the effect of sequence changes on RNA splicing suggest that this variant is not likely to affect RNA splicing. In summary, the available evidence is currently insufficient to determine the role of this variant in disease. Therefore, it has been classified as a Variant of Uncertain Significance.

Literature cited by the submitters: PubMed 17576681; PubMed 9536098.